The following is an entry in ClinVar:

NM_000416.3(IFNGR1):c.571A>G (p.Lys191Glu)

Gene: IFNGR1 (interferon gamma receptor 1; minus strand). Cytogenetic location: 6q23.3.
Variant type: single nucleotide variant.
Coding change: c.571A>G on transcript NM_000416.3 (MANE Select); coding-DNA position 571, A replaced by G.
Protein change: p.Lys191Glu; replaces lysine 191 with glutamic acid.
Molecular consequence: missense variant.
Genome position (GRCh38, 1-based): chr6:137,203,661, T>C on the plus strand (A>G on the coding strand, the complement: IFNGR1 is on the minus strand). VCF-style: chr6-137203661-T-C. GRCh37 (hg19) VCF-style: chr6-137524798-T-C.
Other names: c.541A>G, p.Lys181Glu (NM_001363526.1); c.448A>G, p.Lys150Glu (NM_001363527.1); short protein forms K191E, K150E, K181E.
Identifiers: ClinVar variation 2981631 (VCV002981631.3), dbSNP rs1294227326, ClinGen allele CA365775086.

ClinVar aggregate classification (germline): Uncertain significance (1 of 4 stars; one submission).

Conditions:
Disseminated atypical mycobacterial infection. Identifiers: MedGen C0694566.

Allele frequency attached by ClinVar (database versions not stated): TOPMed below 0.00001.

Submission:

Labcorp Genetics (formerly Invitae), Labcorp
Classification: Uncertain significance for Disseminated atypical mycobacterial infection. Last evaluated: 2023-03-24. Review status: criteria provided, single submitter. Criteria: Invitae Variant Classification Sherloc (09022015). Collection method: clinical testing. Allele origin: germline.
Comment: Advanced modeling of protein sequence and biophysical properties (such as structural, functional, and spatial information, amino acid conservation, physicochemical variation, residue mobility, and thermodynamic stability) performed at Invitae indicates that this missense variant is not expected to disrupt IFNGR1 protein function. In summary, the available evidence is currently insufficient to determine the role of this variant in disease. Therefore, it has been classified as a Variant of Uncertain Significance. This variant has not been reported in the literature in individuals affected with IFNGR1-related conditions. This sequence change replaces lysine, which is basic and polar, with glutamic acid, which is acidic and polar, at codon 191 of the IFNGR1 protein (p.Lys191Glu). This variant is not present in population databases (gnomAD no frequency).